The following is an entry in ClinVar:

NM_001197104.2(KMT2A):c.10902A>T (p.Glu3634Asp)

Gene: KMT2A (lysine methyltransferase 2A; plus strand). Cytogenetic location: 11q23.3.
Variant type: single nucleotide variant.
Coding change: c.10902A>T on transcript NM_001197104.2 (MANE Select); coding-DNA position 10902, A replaced by T.
Protein change: p.Glu3634Asp; replaces glutamic acid 3634 with aspartic acid.
Molecular consequence: missense variant.
Genome position (GRCh38, 1-based): chr11:118,509,949, A>T. VCF-style: chr11-118509949-A-T. GRCh37 (hg19) VCF-style: chr11-118380664-A-T.
Other names: c.10992A>T, p.Glu3664Asp (NM_001412597.1); c.10893A>T, p.Glu3631Asp (NM_005933.4); short protein forms E3631D, E3664D, E3634D.
Identifiers: ClinVar variation 1918649 (VCV001918649.5), dbSNP rs113003878, ClinGen allele CA229532554.
Genomic context (GRCh38, chr11:118,509,949, plus strand): 5'-GTAGTCAGTGCTCAGTGAGCATTTGTTACTGCAACCACTATCTATTTTCTCCCTATTAGA[A>T]CCTAAAACAGTGGAAGAAGAGGAAAGTAATTTCAGCTCCCCACTGATGCTTTGGCTTCAG-3'
Protein context (NP_001184033.1, residues 3624-3644): QNPANEQESA[Glu3634Asp]PKTVEEEESN

ClinVar aggregate classification (germline): Uncertain significance (1 of 4 stars; one submission).

gnomAD v4.1: 3 of 1,607,110 alleles (0.00019%); no homozygotes.

Submission:

Labcorp Genetics (formerly Invitae), Labcorp
Classification: Uncertain significance. Last evaluated: 2024-02-24. Review status: criteria provided, single submitter. Criteria: Invitae Variant Classification Sherloc (09022015). Collection method: clinical testing. Allele origin: germline.
Comment: This sequence change replaces glutamic acid, which is acidic and polar, with aspartic acid, which is acidic and polar, at codon 3634 of the KMT2A protein (p.Glu3634Asp). This variant is not present in population databases (gnomAD no frequency). This variant has not been reported in the literature in individuals affected with KMT2A-related conditions. ClinVar contains an entry for this variant (Variation ID: 1918649). Algorithms developed to predict the effect of missense changes on protein structure and function output the following: SIFT: "Not Available"; PolyPhen-2: "Benign"; Align-GVGD: "Not Available". The aspartic acid amino acid residue is found in multiple mammalian species, which suggests that this missense change does not adversely affect protein function. In summary, the available evidence is currently insufficient to determine the role of this variant in disease. Therefore, it has been classified as a Variant of Uncertain Significance.